The following is an entry in ClinVar:

ClinVar aggregate classification (germline): Uncertain significance. Review status: criteria provided, multiple submitters, no conflicts (2 of 4 stars). 2 submissions from 2 submitters: Uncertain significance (2). Last evaluated 2025-11-06.

Conditions:
Inborn genetic diseases. Identifiers: MedGen C0950123, MeSH D030342.

Allele frequency attached by ClinVar (database versions not stated): gnomAD 0.00001; TOPMed 0.00001.
gnomAD v4.1: 16 of 1,614,084 alleles (0.00099%); highest among the groups gnomAD compares: Admixed American, 0.0017%; no homozygotes.

Submissions (2):

Ambry Genetics
Classification: Uncertain significance for Inborn genetic diseases. Last evaluated: 2025-11-06. Review status: criteria provided, single submitter. Criteria: Ambry Variant Classification Scheme 2023. Collection method: clinical testing. Allele origin: germline.

GeneDx
Classification: Uncertain significance. Last evaluated: 2023-08-07. Review status: criteria provided, single submitter. Criteria: GeneDx Variant Classification Process June 2021. Collection method: clinical testing. Allele origin: germline. Affected: yes.
Comment: Not observed at significant frequency in large population cohorts (gnomAD); In silico analysis supports that this missense variant has a deleterious effect on protein structure/function; Has not been previously published as pathogenic or benign to our knowledge

NM_004667.6(HERC2):c.11675C>T (p.Pro3892Leu)

Gene: HERC2 (HECT and RLD domain containing E3 ubiquitin protein ligase 2; minus strand). Cytogenetic location: 15q13.1.
Variant type: single nucleotide variant.
Coding change: c.11675C>T on transcript NM_004667.6 (MANE Select); coding-DNA position 11675, C replaced by T.
Protein change: p.Pro3892Leu; replaces proline 3892 with leucine.
Molecular consequence: missense variant.
Genome position (GRCh38, 1-based): chr15:28,142,263, G>A on the plus strand (C>T on the coding strand, the complement: HERC2 is on the minus strand). VCF-style: chr15-28142263-G-A. GRCh37 (hg19) VCF-style: chr15-28387409-G-A.
Other names: c.11675C>T (NM_004667.4); short protein forms P3892L.
Identifiers: ClinVar variation 2575722 (VCV002575722.2), dbSNP rs1451772766, ClinGen allele CA391382119.